The following is an entry in ClinVar:

NM_001005242.3(PKP2):c.823G>A (p.Val275Met)

Gene: PKP2 (plakophilin 2; minus strand). Cytogenetic location: 12p11.21.
Variant type: single nucleotide variant.
Coding change: c.823G>A on transcript NM_001005242.3 (MANE Select); coding-DNA position 823, G replaced by A.
Protein change: p.Val275Met; replaces valine 275 with methionine.
Molecular consequence: missense variant.
Genome position (GRCh38, 1-based): chr12:32,878,057, C>T on the plus strand (G>A on the coding strand, the complement: PKP2 is on the minus strand). VCF-style: chr12-32878057-C-T. GRCh37 (hg19) VCF-style: chr12-33030991-C-T.
Other names: c.823G>A, p.Val275Met (NM_001407155.1, NM_001407156.1, NM_001407157.1 and 2 more transcripts); c.496G>A, p.Val166Met (NM_001407158.1, NM_001407159.1, NM_001407160.1 and 1 more transcripts); short protein forms V275M, V166M.
Identifiers: ClinVar variation 2449724 (VCV002449724.2), dbSNP rs2541339476, ClinGen allele CA384362284.

ClinVar aggregate classification (germline): Uncertain significance (1 of 4 stars; one submission).

Conditions:
Cardiovascular phenotype. Identifiers: MedGen CN230736.

Allele frequency attached by ClinVar (database versions not stated): gnomAD exomes below 0.00001.
gnomAD v4.1: 7 of 1,614,010 alleles (0.00043%); highest among the groups gnomAD compares: Non-Finnish European, 0.00051%; no homozygotes.

Submission:

Ambry Genetics
Classification: Uncertain significance for Cardiovascular phenotype. Last evaluated: 2023-02-15. Review status: criteria provided, single submitter. Criteria: Ambry Variant Classification Scheme 2023. Collection method: clinical testing. Allele origin: germline.
Comment: The p.V275M variant (also known as c.823G>A), located in coding exon 3 of the PKP2 gene, results from a G to A substitution at nucleotide position 823. The valine at codon 275 is replaced by methionine, an amino acid with highly similar properties. This amino acid position is not well conserved in available vertebrate species. In addition, this alteration is predicted to be tolerated by in silico analysis. Since supporting evidence is limited at this time, the clinical significance of this alteration remains unclear.